The following is an entry in ClinVar:

NM_001321075.3(DLG4):c.341A>G (p.Asn114Ser)

Gene: DLG4 (discs large MAGUK scaffold protein 4; minus strand). Cytogenetic location: 17p13.1.
Variant type: single nucleotide variant.
Coding change: c.341A>G on transcript NM_001321075.3 (MANE Select); coding-DNA position 341, A replaced by G.
Protein change: p.Asn114Ser; replaces asparagine 114 with serine.
Molecular consequence: missense variant. On other transcripts: non-coding transcript variant (1).
Genome position (GRCh38, 1-based): chr17:7,203,588, T>C on the plus strand (A>G on the coding strand, the complement: DLG4 is on the minus strand). VCF-style: chr17-7203588-T-C. GRCh37 (hg19) VCF-style: chr17-7106907-T-C.
Other names: c.332A>G, p.Asn111Ser (NM_001128827.4); c.461A>G, p.Asn154Ser (NM_001321074.1); c.161A>G, p.Asn54Ser (NM_001321076.3, NM_001321077.3); c.470A>G, p.Asn157Ser (NM_001365.5); c.260A>G, p.Asn87Ser (NM_001369566.3); short protein forms N154S, N157S, N111S, N54S, N114S, N87S.
Identifiers: ClinVar variation 2227711 (VCV002227711.2), dbSNP rs2508026074, ClinGen allele CA397719771.
Genomic context (GRCh38, chr17:7,203,588, plus strand): 5'-ACCGCCGCTGAGTGGGTCACCTCGCGCACGTCCACTTCATTTACAAACAGGATGCTGTCG[T>C]TGACCCTGGGAGCAGCAAGGTGGGCCTGAGCCAAGAGCTTCCTGCTGCCCTGGCCCTCCC-3'
Protein context (NP_001308004.1, residues 104-124): AAAQDGRLRV[Asn114Ser]DSILFVNEVD

ClinVar aggregate classification (germline): Uncertain significance (1 of 4 stars; one submission).

Conditions:
Inborn genetic diseases. Identifiers: MedGen C0950123, MeSH D030342.

Allele frequency attached by ClinVar (database versions not stated): gnomAD exomes below 0.00001.

Submission:

Ambry Genetics
Classification: Uncertain significance for Inborn genetic diseases. Last evaluated: 2020-10-30. Review status: criteria provided, single submitter. Criteria: Ambry Variant Classification Scheme 2023. Collection method: clinical testing. Allele origin: germline.
Comment: The c.470A>G (p.N157S) alteration is located in exon 8 (coding exon 8) of the DLG4 gene. This alteration results from a A to G substitution at nucleotide position 470, causing the asparagine (N) at amino acid position 157 to be replaced by a serine (S). This amino acid position is highly conserved in available vertebrate species. The p.N157S alteration is predicted to be tolerated by in silico analysis. Based on insufficient or conflicting evidence, the clinical significance of this alteration remains unclear.